The following is an entry in ClinVar:

NM_001356.5(DDX3X):c.1541T>G (p.Ile514Ser)

Gene: DDX3X (DEAD-box helicase 3 X-linked; plus strand). Cytogenetic location: Xp11.4.
Variant type: single nucleotide variant.
Coding change: c.1541T>G on transcript NM_001356.5 (MANE Select); coding-DNA position 1541, T replaced by G.
Protein change: p.Ile514Ser; replaces isoleucine 514 with serine.
Molecular consequence: missense variant. On other transcripts: non-coding transcript variant (1).
Genome position (GRCh38, 1-based): chrX:41,346,548, T>G. VCF-style: chrX-41346548-T-G. GRCh37 (hg19) VCF-style: chrX-41205801-T-G.
Other names: c.1541T>G, p.Ile514Ser (NM_001193416.3); c.1493T>G, p.Ile498Ser (NM_001193417.3); c.983T>G, p.Ile328Ser (NM_001363819.1); short protein forms I328S, I514S, I498S.
Identifiers: ClinVar variation 1371962 (VCV001371962.6), dbSNP rs796052226, ClinGen allele CA412776398.

ClinVar aggregate classification (germline): Uncertain significance (1 of 4 stars; one submission).

Submission:

Labcorp Genetics (formerly Invitae), Labcorp
Classification: Uncertain significance. Last evaluated: 2021-10-08. Review status: criteria provided, single submitter. Criteria: Invitae Variant Classification Sherloc (09022015). Collection method: clinical testing. Allele origin: germline.
Comment: This variant has not been reported in the literature in individuals affected with DDX3X-related conditions. Algorithms developed to predict the effect of missense changes on protein structure and function are either unavailable or do not agree on the potential impact of this missense change (SIFT: "Deleterious"; PolyPhen-2: "Not Available"; Align-GVGD: "Class C65"). In summary, the available evidence is currently insufficient to determine the role of this variant in disease. Therefore, it has been classified as a Variant of Uncertain Significance. This variant is not present in population databases (ExAC no frequency). This sequence change replaces isoleucine with serine at codon 514 of the DDX3X protein (p.Ile514Ser). The isoleucine residue is highly conserved and there is a large physicochemical difference between isoleucine and serine.